The following is an entry in ClinVar:

NM_003242.6(TGFBR2):c.455-1G>A

Gene: TGFBR2 (transforming growth factor beta receptor 2; plus strand). Cytogenetic location: 3p24.1.
Variant type: single nucleotide variant.
Coding change: c.455-1G>A on transcript NM_003242.6 (MANE Select); the canonical splice acceptor site of the intron before coding-DNA position 455, G replaced by A.
Molecular consequence: splice acceptor variant. On other transcripts: intron variant (1).
Genome position (GRCh38, 1-based): chr3:30,671,637, G>A. VCF-style: chr3-30671637-G-A. GRCh37 (hg19) VCF-style: chr3-30713129-G-A.
Other names: c.458-1G>A (NM_001407129.1); c.350-1G>A (NM_001407132.1, NM_001407136.1, NM_001407133.1 and 2 more transcripts); c.638-1G>A (NM_001407126.1); c.530-1G>A (NM_001024847.3); c.530-16750G>A (NM_001407139.1); c.170-1G>A (NM_001407137.1); c.563-1G>A (NM_001407127.1); c.455-1G>A (NM_001407130.1); and 2 more.
Identifiers: ClinVar variation 3076033 (VCV003076033.1), dbSNP rs2470559284, ClinGen allele CA351807145.
Genomic context (GRCh38, chr3:30,671,637, plus strand): 5'-TCCTGACAGTACTTACCTACCACATCCAACTCCTTCTCTCCTTGTTTTGTTTCCCCATCA[G>A]AATATAACACCAGCAATCCTGACTTGTTGCTAGTCATATTTCAAGTGACAGGCATCAGCC-3'

ClinVar aggregate classification (germline): Uncertain significance (1 of 4 stars; one submission).

Submission:

Laboratory for Molecular Medicine, Mass General Brigham Personalized Medicine
Classification: Uncertain significance. Last evaluated: 2017-10-09. Review status: criteria provided, single submitter. Criteria: ACMG Guidelines, 2015. Collection method: clinical testing. Allele origin: germline. Inheritance: Autosomal unknown.
Comment: The c.455-1G>A variant in TGFBR2 has not been previously reported in individuals with connective tissue disorders and was absent from large population studies. This variant occurs in the invariant region (+/- 1,2) of the splice consensus sequence and is predicted to cause altered splicing leading to an abnormal or absent protein. While nonsense and splice variants have been reported in TGFBR2 their role is not well understood. In summary, while there is some suspicion for a pathogenic role, the clinical significance of the c.455-1G>A variant is uncertain